The following is an entry in ClinVar:

ClinVar aggregate classification (germline): Pathogenic (1 of 4 stars; one submission).

Submission:

Labcorp Genetics (formerly Invitae), Labcorp
Classification: Pathogenic. Last evaluated: 2024-04-10. Review status: criteria provided, single submitter. Criteria: Invitae Variant Classification Sherloc (09022015). Collection method: clinical testing. Allele origin: germline.
Comment: This sequence change creates a premature translational stop signal (p.Ser2766Argfs*34) in the UNC80 gene. It is expected to result in an absent or disrupted protein product. Loss-of-function variants in UNC80 are known to be pathogenic (PMID: 26545877, 26708751, 26708753). This variant is not present in population databases (gnomAD no frequency). This variant has not been reported in the literature in individuals affected with UNC80-related conditions. For these reasons, this variant has been classified as Pathogenic.

Literature cited by the submitters: PubMed 26545877; PubMed 26708751; PubMed 26708753.

NM_001371986.1(UNC80):c.8494_8495dup (p.Ser2832fs)

Gene: UNC80 (unc-80 subunit of NALCN channel complex; plus strand). Cytogenetic location: 2q34.
Variant type: Microsatellite.
Coding change: c.8494_8495dup on transcript NM_001371986.1 (MANE Select); coding-DNA positions 8494 to 8495, 2 bases duplicated (AG; older notation c.8494_8495dupAG).
Protein change: p.Ser2832fs; shifts the reading frame from serine 2832.
Molecular consequence: frameshift variant.
Genome position (GRCh38, 1-based): chr2:209,973,177-209,973,178, AG duplicated; duplicating any 2 consecutive bases within chr2:209,973,173-209,973,178 gives the same sequence; the c. name uses the placement nearest the transcript's 3' end. VCF-style (leftmost placement, unchanged base first): chr2-209973172-T-TAG. GRCh37 (hg19) VCF-style: chr2-210837896-T-TAG.
Other names: c.8296_8297dup, p.Ser2766fs (NM_032504.2); c.8281_8282dup, p.Ser2761fs (NM_182587.4); short protein forms S2832fs, S2761fs, S2766fs.
Identifiers: ClinVar variation 3649431 (VCV003649431.2).